The following is an entry in ClinVar:

NM_001939.3(DRP2):c.1252+5G>A

Gene: DRP2 (dystrophin related protein 2; plus strand). Cytogenetic location: Xq22.1.
Variant type: single nucleotide variant.
Coding change: c.1252+5G>A on transcript NM_001939.3 (MANE Select); 5 bases into the intron after coding-DNA position 1252, G replaced by A.
Molecular consequence: intron variant.
Genome position (GRCh38, 1-based): chrX:101,247,169, G>A. VCF-style: chrX-101247169-G-A. GRCh37 (hg19) VCF-style: chrX-100502158-G-A.
Other names: c.1018+5G>A (NM_001171184.2).
Identifiers: ClinVar variation 2881183 (VCV002881183.3), dbSNP rs2520276230, ClinGen allele CA2579662770.

ClinVar aggregate classification (germline): Uncertain significance (1 of 4 stars; one submission).

Allele frequency attached by ClinVar (database versions not stated): gnomAD exomes below 0.00001.
gnomAD v4.1: 1 of 1,198,681 alleles (0.000083%); highest among the groups gnomAD compares: Non-Finnish European, 0.00011%; no homozygotes.

Submission:

Labcorp Genetics (formerly Invitae), Labcorp
Classification: Uncertain significance. Last evaluated: 2023-02-14. Review status: criteria provided, single submitter. Criteria: Invitae Variant Classification Sherloc (09022015). Collection method: clinical testing. Allele origin: germline.
Comment: In summary, the available evidence is currently insufficient to determine the role of this variant in disease. Therefore, it has been classified as a Variant of Uncertain Significance. Variants that disrupt the consensus splice site are a relatively common cause of aberrant splicing (PMID: 17576681, 9536098). Algorithms developed to predict the effect of sequence changes on RNA splicing suggest that this variant may disrupt the consensus splice site. This variant has not been reported in the literature in individuals affected with DRP2-related conditions. This variant is not present in population databases (gnomAD no frequency). This sequence change falls in intron 12 of the DRP2 gene. It does not directly change the encoded amino acid sequence of the DRP2 protein. It affects a nucleotide within the consensus splice site.

Literature cited by the submitters: PubMed 17576681; PubMed 9536098.